The following is an entry in ClinVar:

NM_024747.6(HPS6):c.351C>T (p.Ser117=)

Gene: HPS6 (HPS6 biogenesis of lysosomal organelles complex 2 subunit 3; plus strand). Cytogenetic location: 10q24.32.
Variant type: single nucleotide variant.
Coding change: c.351C>T on transcript NM_024747.6 (MANE Select); coding-DNA position 351, C replaced by T.
Protein change: p.Ser117=; no amino-acid change (serine 117 retained).
Molecular consequence: synonymous variant.
Genome position (GRCh38, 1-based): chr10:102,065,825, C>T. VCF-style: chr10-102065825-C-T. GRCh37 (hg19) VCF-style: chr10-103825582-C-T.
Identifiers: ClinVar variation 2171682 (VCV002171682.5), dbSNP rs1437166286, ClinGen allele CA471010364.

ClinVar aggregate classification (germline): Likely benign. Review status: criteria provided, multiple submitters, no conflicts (2 of 4 stars). 2 submissions from 2 submitters: Likely benign (2). Last evaluated 2026-08-05.

Conditions:
HPS6-related disorder. Also called: HPS6-related condition.

Allele frequency attached by ClinVar (database versions not stated): TOPMed below 0.00001; gnomAD exomes 0.00001.
gnomAD v4.1: 3 of 1,514,242 alleles (0.0002%); highest among the groups gnomAD compares: South Asian, 0.0037%; no homozygotes.

Submissions (2):

PreventionGenetics, part of Exact Sciences
Classification: Likely benign for HPS6-related condition. Last evaluated: 2026-08-05. Review status: criteria provided, single submitter. Criteria: ACMG Guidelines, 2015. Collection method: clinical testing. Allele origin: germline.
Comment: This variant is classified as likely benign based on ACMG/AMP sequence variant interpretation guidelines (Richards et al. 2015 PMID: 25741868, with internal and published modifications).

Labcorp Genetics (formerly Invitae), Labcorp
Classification: Likely benign. Last evaluated: 2023-10-13. Review status: criteria provided, single submitter. Criteria: Invitae Variant Classification Sherloc (09022015). Collection method: clinical testing. Allele origin: germline.